The following is an entry in ClinVar:

ClinVar aggregate classification (germline): Uncertain significance (1 of 4 stars; one submission).

Conditions:
Charcot-Marie-Tooth disease, type I (CMT1). Also called: Charcot-Marie-Tooth, Type 1; Charcot-Marie-Tooth disease type 1. Identifiers: Orphanet 65753, MedGen C0751036, MONDO:0019011.

Submission:

Labcorp Genetics (formerly Invitae), Labcorp
Classification: Uncertain significance for Charcot-Marie-Tooth disease, type I. Last evaluated: 2022-07-13. Review status: criteria provided, single submitter. Criteria: Invitae Variant Classification Sherloc (09022015). Collection method: clinical testing. Allele origin: germline.
Comment: In summary, the available evidence is currently insufficient to determine the role of this variant in disease. Therefore, it has been classified as a Variant of Uncertain Significance. Algorithms developed to predict the effect of missense changes on protein structure and function are either unavailable or do not agree on the potential impact of this missense change (SIFT: "Not Available"; PolyPhen-2: "Probably Damaging"; Align-GVGD: "Not Available"). This variant has not been reported in the literature in individuals affected with EGR2-related conditions. This variant is not present in population databases (gnomAD no frequency). This sequence change replaces tyrosine, which is neutral and polar, with cysteine, which is neutral and slightly polar, at codon 26 of the EGR2 protein (p.Tyr26Cys).

NM_000399.5(EGR2):c.77A>G (p.Tyr26Cys)

Gene: EGR2 (early growth response 2; minus strand). Cytogenetic location: 10q21.3.
Variant type: single nucleotide variant.
Coding change: c.77A>G on transcript NM_000399.5 (MANE Select); coding-DNA position 77, A replaced by G.
Protein change: p.Tyr26Cys; replaces tyrosine 26 with cysteine.
Molecular consequence: missense variant. On other transcripts: 5 prime UTR variant (2).
Genome position (GRCh38, 1-based): chr10:62,815,953, T>C on the plus strand (A>G on the coding strand, the complement: EGR2 is on the minus strand). VCF-style: chr10-62815953-T-C. GRCh37 (hg19) VCF-style: chr10-64575713-T-C.
Other names: c.77A>G, p.Tyr26Cys (NM_001136177.3, NM_001136178.2); c.-74A>G (NM_001136179.3, NM_001321037.2); c.116A>G, p.Tyr39Cys (NM_001410931.1); short protein forms Y39C, Y26C.
Identifiers: ClinVar variation 2016743 (VCV002016743.4), dbSNP rs1589083076, ClinGen allele CA377034354.
Genomic context (GRCh38, chr10:62,815,953, plus strand): 5'-CCTCCCAGTTCGGCATTGGGAAAGATGGTCACCGACGTGGCGGCGAGGTCCTCCACCGGG[T>C]AGATGTTGTCAGACAGCTGGTGCACAAAACCACTGAGAGTTACTGGGATTTTGTCTACGG-3'
Protein context (NP_000390.2, residues 16-36): GFVHQLSDNI[Tyr26Cys]PVEDLAATSV